The following is an entry in ClinVar:

ClinVar aggregate classification (germline): Uncertain significance (1 of 4 stars; one submission).

Conditions:
Aortic aneurysm, familial thoracic 7 (AAT7). Also called: AORTIC DISSECTION, FAMILIAL, WITH OR WITHOUT AORTIC ANEURYSM. Identifiers: MedGen C3151077, MONDO:0013418, OMIM 613780.

Submission:

Labcorp Genetics (formerly Invitae), Labcorp
Classification: Uncertain significance for Aortic aneurysm, familial thoracic 7. Last evaluated: 2025-04-04. Review status: criteria provided, single submitter. Criteria: Invitae Variant Classification Sherloc (09022015). Collection method: clinical testing. Allele origin: germline.
Comment: This sequence change replaces methionine, which is neutral and non-polar, with threonine, which is neutral and polar, at codon 1644 of the MYLK protein (p.Met1644Thr). This variant is not present in population databases (gnomAD no frequency). This variant has not been reported in the literature in individuals affected with MYLK-related conditions. Invitae Evidence Modeling of protein sequence and biophysical properties (such as structural, functional, and spatial information, amino acid conservation, physicochemical variation, residue mobility, and thermodynamic stability) indicates that this missense variant is not expected to disrupt MYLK protein function with a negative predictive value of 80%. In summary, the available evidence is currently insufficient to determine the role of this variant in disease. Therefore, it has been classified as a Variant of Uncertain Significance.

NM_053025.4(MYLK):c.4931T>C (p.Met1644Thr)

Gene: MYLK (myosin light chain kinase; minus strand). Cytogenetic location: 3q21.1.
Variant type: single nucleotide variant.
Coding change: c.4931T>C on transcript NM_053025.4 (MANE Select); coding-DNA position 4931, T replaced by C.
Protein change: p.Met1644Thr; replaces methionine 1644 with threonine.
Molecular consequence: missense variant.
Genome position (GRCh38, 1-based): chr3:123,638,101, A>G on the plus strand (T>C on the coding strand, the complement: MYLK is on the minus strand). VCF-style: chr3-123638101-A-G. GRCh37 (hg19) VCF-style: chr3-123356948-A-G.
Other names: c.4403T>C, p.Met1468Thr (NM_001321309.2); c.4724T>C, p.Met1575Thr (NM_053026.4, NM_053028.4); c.4931T>C, p.Met1644Thr (NM_053027.4); short protein forms M1468T, M1644T, M1575T.
Identifiers: ClinVar variation 4775661 (VCV004775661.1).